The following is an entry in ClinVar:

NM_001012759.3(CTU2):c.404C>G (p.Pro135Arg)

Gene: CTU2 (cytosolic thiouridylase subunit 2; plus strand). Cytogenetic location: 16q24.3.
Variant type: single nucleotide variant.
Coding change: c.404C>G on transcript NM_001012759.3 (MANE Select); coding-DNA position 404, C replaced by G.
Protein change: p.Pro135Arg; replaces proline 135 with arginine.
Molecular consequence: missense variant.
Genome position (GRCh38, 1-based): chr16:88,712,334, C>G. VCF-style: chr16-88712334-C-G. GRCh37 (hg19) VCF-style: chr16-88778742-C-G.
Other names: c.404C>G (NM_001012759.1); c.404C>G, p.Pro135Arg (NM_001012762.3); c.617C>G, p.Pro206Arg (NM_001318507.2); c.143C>G, p.Pro48Arg (NM_001318513.2); short protein forms P135R, P206R, P48R.
Identifiers: ClinVar variation 736305 (VCV000736305.9), dbSNP rs144903142, ClinGen allele CA8230294.

ClinVar aggregate classification (germline): Conflicting classifications of pathogenicity. Review status: criteria provided, conflicting classifications (1 of 4 stars). 4 submissions from 4 submitters: Uncertain significance (1); Likely benign (2). 1 of the submissions does not count toward it. Last evaluated 2025-12-10.

Conditions:
CTU2-related disorder. Also called: CTU2-related condition.

Allele frequency attached by ClinVar (database versions not stated): gnomAD 0.00092; TOPMed 0.00106; ESP Exome Variant Server 0.00131.
gnomAD v4.1: 278 of 1,610,870 alleles (0.017%); highest among the groups gnomAD compares: African/African-American, 0.36%; no homozygotes.

Submissions (4):

Labcorp Genetics (formerly Invitae), Labcorp
Classification: Likely benign. Last evaluated: 2025-12-10. Review status: criteria provided, single submitter. Criteria: Invitae Variant Classification Sherloc (09022015). Collection method: clinical testing. Allele origin: germline.

Ambry Genetics
Classification: Uncertain significance. Last evaluated: 2025-08-29. Review status: criteria provided, single submitter. Criteria: Ambry Variant Classification Scheme 2023. Collection method: clinical testing. Allele origin: germline.

Breakthrough Genomics
Classification: Likely benign. Review status: criteria provided, single submitter. Criteria: ACMG Guidelines, 2015. Collection method: not provided. Allele origin: germline. Inheritance: Autosomal recessive inheritance. Affected: yes.

PreventionGenetics, part of Exact Sciences
Classification: Likely benign for CTU2-related condition. Last evaluated: 2022-03-28. Review status: no assertion criteria provided. Collection method: clinical testing. Allele origin: germline. Not counted in ClinVar's aggregate classification.
Comment: This variant is classified as likely benign based on ACMG/AMP sequence variant interpretation guidelines (Richards et al. 2015 PMID: 25741868, with internal and published modifications).